The following is an entry in ClinVar:

ClinVar aggregate classification (germline): Likely pathogenic. Review status: reviewed by expert panel (3 of 4 stars). 3 submissions from 3 submitters: Likely pathogenic (1). 2 of the submissions do not count toward it. Last evaluated 2026-08-17.

Conditions:
Alexander disease (ALXDRD). Also called: Alexander's disease. Identifiers: Orphanet 58, MedGen C0270726, MONDO:0008752, OMIM 203450.

Submissions (3):

ClinGen Leukodystrophy and Leukoencephalopathy Variant Curation Expert Panel, ClinGen
Classification: Likely pathogenic for Alexander disease. Last evaluated: 2026-08-17. Review status: reviewed by expert panel. Criteria: ClinGen Leuko ACMG Specifications GFAP V1.0. Collection method: curation. Allele origin: germline. Inheritance: Autosomal dominant inheritance.
Comment: The NM_002055.5(GFAP):c.219G>A, variant in GFAP is a missense variant predicited to cause a substitution of methionine by isoleucine at amino acid 73 (p.Met73Ile). This variant has been reported in 4 least four probands who met diagnostic criteria for Alexander Disease per ClinGen Leukodystrophy and Leukoencephalopathy Expert Panel Specifications to the ACMG/AMP Variant Interpretation Guidelines for GFAP Version 1.0.0 (PS4; PMID:37658208, PMID:31781017). In an immunocytochemistry assay HeLa cells showed abnormal GFAP aggregation indicating that is variant impacts protein function (PMID: 31781017) (PS3_Moderate). This variant resides within a region, amino acids 59 – 88, of GFAP that is defined as a region with significant missense constraint by the ClinGen Leukodystrophy and Leukoencephalopathy Expert Panel Specifications to the ACMG/AMP Variant Interpretation Guidelines for GFAP Version 1.0.0 (PM1). This variant is absent from gnomAD v[4.1.1] (PM2_Supporting). In summary, this variant meets the criteria to be classified Likely Pathogenic for Alexander Disease based on the ACMG/AMP criteria applied, as specified by the ClinGen Leukodystrophy and Leukoencephalopathy VCEP: PS4, PM1, PS3_Moderate, PM2_Supporting (ClinGen Leukodystrophy and Leukoencephalopathy VCEP Specifications Version 1.0.0).

Variantyx, Inc.
Classification: Likely pathogenic for Alexander disease. Last evaluated: 2025-08-26. Review status: criteria provided, single submitter. Criteria: Variantyx Assertion Criteria 2022. Collection method: clinical testing. Allele origin: germline. Inheritance: Autosomal dominant inheritance. Affected: yes. Not counted in ClinVar's aggregate classification.
Comment: This is a nonsynonymous variant in the GFAP gene (OMIM: 137780). Pathogenic variants in this gene have been associated with autosomal dominant Alexander disease (OMIM 203450). This variant has been reported in at least one affected individual (PMID: 31781017) (PS4). Functional studies have shown that this variant alters GFAP protein function (PMID: 31781017) (PS3_Moderate), and multiple computational algorithms predict a deleterious effect for this variant (REVEL score: 0.651) (PP3). M<oreover, the variant lies within a known hotspot for pathogenic variants or a well-established critical functional domain of the GFAP protein (PM1). This variant is absent from control populations (PM2). Inheritance from an unaffected or mildly affected parent has been reported in the GFAP gene, consistent with incomplete penetrance and/or variable expressivity (PMID:20301351). Based on the current evidence, this variant is classified as likely pathogenic for autosomal dominant Alexander disease.

Labcorp Genetics (formerly Invitae), Labcorp
Classification: Likely pathogenic. Last evaluated: 2024-04-27. Review status: criteria provided, single submitter. Criteria: Invitae Variant Classification Sherloc (09022015). Collection method: clinical testing. Allele origin: germline. Not counted in ClinVar's aggregate classification.
Comment: This sequence change replaces methionine, which is neutral and non-polar, with isoleucine, which is neutral and non-polar, at codon 73 of the GFAP protein (p.Met73Ile). This variant is not present in population databases (gnomAD no frequency). This missense change has been observed in individuals with Alexander disease (PMID: 31781017; Invitae). ClinVar contains an entry for this variant (Variation ID: 2132009). Advanced modeling of protein sequence and biophysical properties (such as structural, functional, and spatial information, amino acid conservation, physicochemical variation, residue mobility, and thermodynamic stability) has been performed at Invitae for this missense variant, however the output from this modeling did not meet the statistical confidence thresholds required to predict the impact of this variant on GFAP protein function. Experimental studies have shown that this missense change affects GFAP function (PMID: 31781017). This variant disrupts the p.Met73 amino acid residue in GFAP. Other variant(s) that disrupt this residue have been observed in individuals with GFAP-related conditions (PMID: 15732097, 17894839), which suggests that this may be a clinically significant amino acid residue. In summary, the currently available evidence indicates that the variant is pathogenic, but additional data are needed to prove that conclusively. Therefore, this variant has been classified as Likely Pathogenic.

Literature cited by the submitters: PubMed 31781017 (cited by Variantyx, Inc. and Labcorp Genetics (formerly Invitae), Labcorp); PubMed 20301351 (cited by Variantyx, Inc.); PubMed 15732097 (cited by Labcorp Genetics (formerly Invitae), Labcorp); PubMed 17894839 (cited by Labcorp Genetics (formerly Invitae), Labcorp).

NM_002055.5(GFAP):c.219G>A (p.Met73Ile)

Gene: GFAP (glial fibrillary acidic protein; minus strand). Cytogenetic location: 17q21.31.
Variant type: single nucleotide variant.
Coding change: c.219G>A on transcript NM_002055.5 (MANE Select); coding-DNA position 219, G replaced by A.
Protein change: p.Met73Ile; replaces methionine 73 with isoleucine.
Molecular consequence: missense variant.
Genome position (GRCh38, 1-based): chr17:44,915,268, C>T on the plus strand (G>A on the coding strand, the complement: GFAP is on the minus strand). VCF-style: chr17-44915268-C-T. GRCh37 (hg19) VCF-style: chr17-42992636-C-T.
Other names: NM_002055.5(GFAP):c.219G>A; p.Met73Ile; c.219G>A, p.Met73Ile (NM_001131019.3, NM_001242376.3, NM_001363846.2); short protein forms M73I.
Identifiers: ClinVar variation 2132009 (VCV002132009.6), dbSNP rs2508949861, ClinGen allele CA399848755.